The following is an entry in ClinVar:

NM_023110.3(FGFR1):c.865T>G (p.Trp289Gly)

Gene: FGFR1 (fibroblast growth factor receptor 1; minus strand). Cytogenetic location: 8p11.23.
Variant type: single nucleotide variant.
Coding change: c.865T>G on transcript NM_023110.3 (MANE Select); coding-DNA position 865, T replaced by G.
Protein change: p.Trp289Gly; replaces tryptophan 289 with glycine.
Molecular consequence: missense variant.
Genome position (GRCh38, 1-based): chr8:38,424,580, A>C on the plus strand (T>G on the coding strand, the complement: FGFR1 is on the minus strand). VCF-style: chr8-38424580-A-C. GRCh37 (hg19) VCF-style: chr8-38282098-A-C.
Other names: c.865T>G, p.Trp289Gly (NM_001174063.2); c.841T>G, p.Trp281Gly (NM_001174064.2); c.859T>G, p.Trp287Gly (NM_001174065.2, NM_001354367.2, NM_001354369.2 and 2 more transcripts); c.598T>G, p.Trp200Gly (NM_001174066.2, NM_023105.3); c.958T>G, p.Trp320Gly (NM_001174067.2); c.592T>G, p.Trp198Gly (NM_001354368.2, NM_001354370.2, NM_023106.3); short protein forms W198G, W200G, W281G, W287G, W289G, W320G.
Identifiers: ClinVar variation 3900901 (VCV003900901.1).

ClinVar aggregate classification (germline): Uncertain significance (1 of 4 stars; one submission).

Submission:

GeneDx
Classification: Uncertain significance. Last evaluated: 2024-12-02. Review status: criteria provided, single submitter. Criteria: GeneDx Variant Classification Process June 2021. Collection method: clinical testing. Allele origin: germline. Affected: yes.
Comment: Not observed at significant frequency in large population cohorts (gnomAD); In silico analysis supports that this missense variant has a deleterious effect on protein structure/function; Has not been previously published as pathogenic or benign to our knowledge